The following is an entry in ClinVar:

NM_001042492.3(NF1):c.4834A>G (p.Arg1612Gly)

Gene: NF1 (neurofibromin 1; plus strand). Cytogenetic location: 17q11.2.
Variant type: single nucleotide variant.
Coding change: c.4834A>G on transcript NM_001042492.3 (MANE Select); coding-DNA position 4834, A replaced by G.
Protein change: p.Arg1612Gly; replaces arginine 1612 with glycine.
Molecular consequence: missense variant.
Genome position (GRCh38, 1-based): chr17:31,265,338, A>G. VCF-style: chr17-31265338-A-G. GRCh37 (hg19) VCF-style: chr17-29592356-A-G.
Other names: c.4771A>G, p.Arg1591Gly (NM_000267.4); short protein forms R1591G, R1612G.
Identifiers: ClinVar variation 1319004 (VCV001319004.4), dbSNP rs755137259, ClinGen allele CA399001387.

ClinVar aggregate classification (germline): Conflicting classifications of pathogenicity. Review status: criteria provided, conflicting classifications (1 of 4 stars). 2 submissions from 2 submitters: Likely pathogenic (1); Uncertain significance (1). Last evaluated 2024-01-26.

Conditions:
Juvenile myelomonocytic leukemia (JMML). Also called: LEUKEMIA, JUVENILE MYELOMONOCYTIC, SOMATIC. Identifiers: Orphanet 86834, MedGen C0349639, MONDO:0011908, OMIM 607785, HP:0012209.

Submissions (2):

Baylor Genetics
Classification: Uncertain significance for Juvenile myelomonocytic leukemia. Last evaluated: 2024-01-26. Review status: criteria provided, single submitter. Criteria: ACMG Guidelines, 2015. Collection method: clinical testing. Allele origin: unknown.

GeneDx
Classification: Likely pathogenic. Last evaluated: 2022-09-28. Review status: criteria provided, single submitter. Criteria: GeneDx Variant Classification Process June 2021. Collection method: clinical testing. Allele origin: germline. Affected: yes.
Comment: Not observed at significant frequency in large population cohorts (gnomAD); In silico analysis supports that this missense variant has a deleterious effect on protein structure/function; Has not been previously published as pathogenic or benign to our knowledge; This variant is associated with the following publications: (PMID: LOVD)